The following is an entry in ClinVar:

NM_001267550.2(TTN):c.24697del (p.Ser8233fs)

Gene: TTN (titin; minus strand). Cytogenetic location: 2q31.2.
Variant type: Deletion.
Coding change: c.24697del on transcript NM_001267550.2 (MANE Select); coding-DNA position 24697, one base deleted (A; older notation c.24697delA).
Protein change: p.Ser8233fs; shifts the reading frame from serine 8233.
Molecular consequence: frameshift variant. On other transcripts: intron variant (3).
Genome position (GRCh38, 1-based): chr2:178,718,409, T deleted on the plus strand (A on the coding strand, the reverse complement: TTN is on the minus strand). VCF-style (leftmost placement, unchanged base first): chr2-178718408-CT-C. GRCh37 (hg19) VCF-style: chr2-179583135-CT-C.
Other names: c.23746del, p.Ser7916fs (NM_001256850.1); c.20965del, p.Ser6989fs (NM_133378.4); c.13282+19673del (NM_003319.4); c.13858+19673del (NM_133437.4); c.13657+19673del (NM_133432.3); short protein forms S7916fs, S6989fs, S8233fs.
Identifiers: ClinVar variation 2932403 (VCV002932403.3), dbSNP rs1172865474, ClinGen allele CA538437502.
Genomic context (GRCh38, chr2:178,718,408, plus strand): 5'-ATATCTTGACCAGCCTCATTTTCTATCAGGCAGCTGTACTGTGCATAATCCTCTATTGTG[CT>C]CTCAAGAATTTCCAGTATGGTAGATTTTTCTGTCATAGTAATACTGCATCTCTCAGATTG-3'

ClinVar aggregate classification (germline): Likely pathogenic (1 of 4 stars; one submission).

Conditions:
Autosomal recessive limb-girdle muscular dystrophy type 2J (LGMDR10). Also called: Limb-girdle muscular dystrophy, type 2J; MUSCULAR DYSTROPHY, LIMB-GIRDLE, AUTOSOMAL RECESSIVE 10. Identifiers: Orphanet 140922, MedGen C1837342, MONDO:0012127, OMIM 608807.
Dilated cardiomyopathy 1G (CMD1G). Identifiers: Orphanet 154, MedGen C1858763, MONDO:0011400, OMIM 604145.

Allele frequency attached by ClinVar (database versions not stated): TOPMed below 0.00001; gnomAD 0.00001; gnomAD exomes 0.00001.

Submission:

Labcorp Genetics (formerly Invitae), Labcorp
Classification: Likely pathogenic for Dilated cardiomyopathy 1G; Autosomal recessive limb-girdle muscular dystrophy type 2J. Last evaluated: 2024-11-04. Review status: criteria provided, single submitter. Criteria: Invitae Variant Classification Sherloc (09022015). Collection method: clinical testing. Allele origin: germline.
Comment: This sequence change creates a premature translational stop signal (p.Ser8233Alafs*3) in the TTN gene. While this is not anticipated to result in nonsense mediated decay, it is expected to create a truncated TTN protein. This variant is present in population databases (no rsID available, gnomAD 0.002%). This variant has not been reported in the literature in individuals affected with TTN-related conditions. ClinVar contains an entry for this variant (Variation ID: 2932403). Algorithms developed to predict the effect of sequence changes on RNA splicing suggest that this variant may disrupt the consensus splice site. This variant is located in the I band of TTN (PMID: 25589632). Truncating variants in this region have been reported in individuals affected with autosomal recessive centronuclear myopathy (PMID: 23975875, internal data). Truncating variants in this region have also been identified in individuals affected with autosomal dominant dilated cardiomyopathy and/or cardio-related conditions (PMID: 27869827, 32964742, internal data). In summary, the currently available evidence indicates that the variant is pathogenic, but additional data are needed to prove that conclusively. Therefore, this variant has been classified as Likely Pathogenic.

Literature cited by the submitters: PubMed 25589632; PubMed 23975875; PubMed 27869827; PubMed 32964742.